The following is an entry in ClinVar:

NM_001287.6(CLCN7):c.511G>A (p.Gly171Arg)

Gene: CLCN7 (chloride voltage-gated channel 7; minus strand). Cytogenetic location: 16p13.3.
Variant type: single nucleotide variant.
Coding change: c.511G>A on transcript NM_001287.6 (MANE Select); coding-DNA position 511, G replaced by A.
Protein change: p.Gly171Arg; replaces glycine 171 with arginine.
Molecular consequence: missense variant.
Genome position (GRCh38, 1-based): chr16:1,460,501, C>T on the plus strand (G>A on the coding strand, the complement: CLCN7 is on the minus strand). VCF-style: chr16-1460501-C-T. GRCh37 (hg19) VCF-style: chr16-1510502-C-T.
Other names: c.439G>A, p.Gly147Arg (NM_001114331.3); c.511G>A (NM_001287.4); short protein forms G147R, G171R.
Identifiers: ClinVar variation 1516943 (VCV001516943.10), dbSNP rs763652763, ClinGen allele CA7810744.

ClinVar aggregate classification (germline): Uncertain significance. Review status: criteria provided, multiple submitters, no conflicts (2 of 4 stars). 3 submissions from 3 submitters: Uncertain significance (3). Last evaluated 2024-11-21.

Conditions:
Inborn genetic diseases. Identifiers: MedGen C0950123, MeSH D030342.

Allele frequency attached by ClinVar (database versions not stated): gnomAD exomes 0.00001 and 0.00002; ExAC 0.00002; gnomAD 0.00003 and 0.00004; TOPMed 0.00005.

Submissions (3):

Ambry Genetics
Classification: Uncertain significance for Inborn genetic diseases. Last evaluated: 2024-11-21. Review status: criteria provided, single submitter. Criteria: Ambry Variant Classification Scheme 2023. Collection method: clinical testing. Allele origin: germline.

Labcorp Genetics (formerly Invitae), Labcorp
Classification: Uncertain significance. Last evaluated: 2024-08-29. Review status: criteria provided, single submitter. Criteria: Invitae Variant Classification Sherloc (09022015). Collection method: clinical testing. Allele origin: germline.
Comment: This sequence change replaces glycine, which is neutral and non-polar, with arginine, which is basic and polar, at codon 171 of the CLCN7 protein (p.Gly171Arg). This variant is present in population databases (rs763652763, gnomAD 0.003%). This variant has not been reported in the literature in individuals affected with CLCN7-related conditions. ClinVar contains an entry for this variant (Variation ID: 1516943). Invitae Evidence Modeling of protein sequence and biophysical properties (such as structural, functional, and spatial information, amino acid conservation, physicochemical variation, residue mobility, and thermodynamic stability) indicates that this missense variant is not expected to disrupt CLCN7 protein function with a negative predictive value of 95%. In summary, the available evidence is currently insufficient to determine the role of this variant in disease. Therefore, it has been classified as a Variant of Uncertain Significance.

Breakthrough Genomics
Classification: Uncertain significance. Review status: criteria provided, single submitter. Criteria: ACMG Guidelines, 2015. Collection method: not provided. Allele origin: germline. Inheritance: Autosomal recessive inheritance. Affected: yes.